The following is an entry in ClinVar:

NM_000238.4(KCNH2):c.3153-4C>T

Gene: KCNH2 (potassium voltage-gated channel subfamily H member 2; minus strand). Cytogenetic location: 7q36.1.
Variant type: single nucleotide variant.
Coding change: c.3153-4C>T on transcript NM_000238.4 (MANE Select); 4 bases into the intron before coding-DNA position 3153, C replaced by T.
Molecular consequence: intron variant.
Genome position (GRCh38, 1-based): chr7:150,947,058, G>A on the plus strand (C>T on the coding strand, the complement: KCNH2 is on the minus strand). VCF-style: chr7-150947058-G-A. GRCh37 (hg19) VCF-style: chr7-150644146-G-A.
Other names: c.2133-4C>T (NM_172057.3).
Identifiers: ClinVar variation 413324 (VCV000413324.27), dbSNP rs181119727, ClinGen allele CA037586.

ClinVar aggregate classification (germline): Benign/Likely benign. Review status: criteria provided, multiple submitters, no conflicts (2 of 4 stars). 8 submissions from 8 submitters: Benign (5); Likely benign (3). Last evaluated 2026-09-01.

Conditions:
Cardiovascular phenotype. Identifiers: MedGen CN230736.
Cardiac arrhythmia. Also called: Cardiac rhythm disease; Arrhythmia. Identifiers: MedGen C0003811, MONDO:0007263, HP:0011675.
Short QT syndrome type 1. Identifiers: Orphanet 51083, MedGen C1865020, MONDO:0012312, OMIM 609620.
Long QT syndrome 2 (LQT2). Identifiers: Orphanet 101016, Orphanet 768, MedGen C3150943, MONDO:0013367, OMIM 613688.
Long QT syndrome (LQTS). Identifiers: MedGen C0023976, MeSH D008133, MONDO:0002442. Disease mechanism: loss of function. Inheritance: Various modes of inheritance.

Allele frequency attached by ClinVar (database versions not stated): gnomAD 0.00003 and 0.00004; TOPMed 0.00009; ExAC 0.00024; 1000 Genomes Project 0.00040; 1000 Genomes Project 30x 0.00047.
gnomAD v4.1: 85 of 1,592,560 alleles (0.0053%); highest among the groups gnomAD compares: Admixed American, 0.14%; no homozygotes.

Submissions (8):

CeGaT Center for Human Genetics Tuebingen
Classification: Likely benign. Last evaluated: 2026-09-01. Review status: criteria provided, single submitter. Criteria: CeGaT Center For Human Genetics Tuebingen Variant Classification Criteria Version 2. Collection method: clinical testing. Allele origin: germline. Affected: yes. Observed: 4 variant alleles.
Comment: KCNH2: BP4, BS1

Labcorp Genetics (formerly Invitae), Labcorp
Classification: Benign for Long QT syndrome. Last evaluated: 2026-01-19. Review status: criteria provided, single submitter. Criteria: Invitae Variant Classification Sherloc (09022015). Collection method: clinical testing. Allele origin: germline.

Women's Health and Genetics/Laboratory Corporation of America, LabCorp
Classification: Benign. Last evaluated: 2025-10-03. Review status: criteria provided, single submitter. Criteria: LabCorp Variant Classification Summary - May 2015. Collection method: clinical testing. Allele origin: germline.

Fulgent Genetics
Classification: Likely benign for Short QT syndrome type 1; Long QT syndrome 2. Last evaluated: 2022-03-28. Review status: criteria provided, single submitter. Criteria: ACMG Guidelines, 2015. Collection method: clinical testing. Allele origin: unknown.

Color Diagnostics, LLC DBA Color Health
Classification: Benign for Arrhythmia. Last evaluated: 2018-11-16. Review status: criteria provided, single submitter. Criteria: ACMG Guidelines, 2015. Collection method: clinical testing. Allele origin: germline.

Athena Diagnostics
Classification: Benign. Last evaluated: 2017-11-03. Review status: criteria provided, single submitter. Criteria: Athena Diagnostics Criteria. Collection method: clinical testing. Allele origin: germline.

Ambry Genetics
Classification: Likely benign for Cardiovascular phenotype. Last evaluated: 2016-10-29. Review status: criteria provided, single submitter. Criteria: Ambry Variant Classification Scheme 2023. Collection method: clinical testing. Allele origin: germline.

GeneDx
Classification: Benign. Last evaluated: 2015-03-03. Review status: criteria provided, single submitter. Criteria: GeneDx Variant Classification Process June 2021. Collection method: clinical testing. Allele origin: germline. Affected: yes.